The following is an entry in ClinVar:

NM_002019.4(FLT1):c.162G>C (p.Arg54Ser)

Gene: FLT1 (fms related receptor tyrosine kinase 1; minus strand). Cytogenetic location: 13q12.3.
Variant type: single nucleotide variant.
Coding change: c.162G>C on transcript NM_002019.4 (MANE Select); coding-DNA position 162, G replaced by C.
Protein change: p.Arg54Ser; replaces arginine 54 with serine.
Molecular consequence: missense variant.
Genome position (GRCh38, 1-based): chr13:28,467,129, C>G on the plus strand (G>C on the coding strand, the complement: FLT1 is on the minus strand). VCF-style: chr13-28467129-C-G. GRCh37 (hg19) VCF-style: chr13-29041266-C-G.
Other names: NC_000013.10:g.29041266C>G; c.162G>C, p.Arg54Ser (NM_001159920.2, NM_001160030.2, NM_001160031.1); short protein forms R54S.
Identifiers: ClinVar variation 3049859 (VCV003049859.3), dbSNP rs141440705, ClinGen allele CA6930889.

ClinVar aggregate classification (germline): Likely benign (0 of 4 stars; one submission).

Conditions:
FLT1-related disorder. Also called: FLT1-related condition.

Allele frequency attached by ClinVar (database versions not stated): ESP Exome Variant Server 0.00046; 1000 Genomes Project 30x 0.00062; 1000 Genomes Project 0.00080.
gnomAD v4.1: 2,365 of 1,610,932 alleles (0.15%); highest among the groups gnomAD compares: Non-Finnish European, 0.07%; 26 homozygotes.

Submissions (2):

PreventionGenetics, part of Exact Sciences
Classification: Likely benign for FLT1-related condition. Last evaluated: 2020-07-09. Review status: no assertion criteria provided. Collection method: clinical testing. Allele origin: germline.
Comment: This variant is classified as likely benign based on ACMG/AMP sequence variant interpretation guidelines (Richards et al. 2015 PMID: 25741868, with internal and published modifications).

Dr. Peter K. Rogan Lab, Western University
No classification provided (evidence only). Condition: Ovarian serous cystadenocarcinoma. Review status: no classification provided. Collection method: in vitro. Allele origin: not applicable. Functional consequence: retained intron. Not counted in ClinVar's aggregate classification.